The following is an entry in ClinVar:

NM_001371533.1(FUT8):c.1070A>G (p.His357Arg)

Gene: FUT8 (fucosyltransferase 8; plus strand). Cytogenetic location: 14q23.3.
Variant type: single nucleotide variant.
Coding change: c.1070A>G on transcript NM_001371533.1 (MANE Select); coding-DNA position 1070, A replaced by G.
Protein change: p.His357Arg; replaces histidine 357 with arginine.
Molecular consequence: missense variant.
Genome position (GRCh38, 1-based): chr14:65,722,009, A>G. VCF-style: chr14-65722009-A-G. GRCh37 (hg19) VCF-style: chr14-66188727-A-G.
Other names: c.1070A>G, p.His357Arg (NM_001371534.1, NM_178155.3, NM_178156.2); c.1172A>G, p.His391Arg (NM_001371536.1); c.581A>G, p.His194Arg (NM_004480.4); short protein forms H194R, H357R, H391R.
Identifiers: ClinVar variation 1941557 (VCV001941557.5), dbSNP rs761750676, ClinGen allele CA390245983.

ClinVar aggregate classification (germline): Uncertain significance (1 of 4 stars; one submission).

gnomAD v4.1: 4 of 1,614,076 alleles (0.00025%); highest among the groups gnomAD compares: Admixed American, 0.0067%; no homozygotes.

Submission:

Labcorp Genetics (formerly Invitae), Labcorp
Classification: Uncertain significance. Last evaluated: 2024-11-11. Review status: criteria provided, single submitter. Criteria: Invitae Variant Classification Sherloc (09022015). Collection method: clinical testing. Allele origin: germline.
Comment: This sequence change replaces histidine, which is basic and polar, with arginine, which is basic and polar, at codon 357 of the FUT8 protein (p.His357Arg). This variant is present in population databases (no rsID available, gnomAD 0.009%). This variant has not been reported in the literature in individuals affected with FUT8-related conditions. ClinVar contains an entry for this variant (Variation ID: 1941557). Invitae Evidence Modeling of protein sequence and biophysical properties (such as structural, functional, and spatial information, amino acid conservation, physicochemical variation, residue mobility, and thermodynamic stability) indicates that this missense variant is not expected to disrupt FUT8 protein function with a negative predictive value of 80%. In summary, the available evidence is currently insufficient to determine the role of this variant in disease. Therefore, it has been classified as a Variant of Uncertain Significance.